The following is an entry in ClinVar:

ClinVar aggregate classification (germline): Uncertain significance (1 of 4 stars; one submission).

Submission:

Labcorp Genetics (formerly Invitae), Labcorp
Classification: Uncertain significance. Last evaluated: 2021-09-01. Review status: criteria provided, single submitter. Criteria: Invitae Variant Classification Sherloc (09022015). Collection method: clinical testing. Allele origin: germline.
Comment: This variant is not present in population databases (ExAC no frequency). This sequence change replaces valine with leucine at codon 1330 of the CACNA1F protein (p.Val1330Leu). The valine residue is highly conserved and there is a small physicochemical difference between valine and leucine. This variant has not been reported in the literature in individuals affected with CACNA1F-related conditions. In summary, the available evidence is currently insufficient to determine the role of this variant in disease. Therefore, it has been classified as a Variant of Uncertain Significance. Algorithms developed to predict the effect of missense changes on protein structure and function are either unavailable or do not agree on the potential impact of this missense change (SIFT: "Deleterious"; PolyPhen-2: "Benign"; Align-GVGD: "Class C25").

NM_001256789.3(CACNA1F):c.3955G>C (p.Val1319Leu)

Gene: CACNA1F (calcium voltage-gated channel subunit alpha1 F; minus strand). Cytogenetic location: Xp11.23.
Variant type: single nucleotide variant.
Coding change: c.3955G>C on transcript NM_001256789.3 (MANE Select); coding-DNA position 3955, G replaced by C.
Protein change: p.Val1319Leu; replaces valine 1319 with leucine.
Molecular consequence: missense variant.
Genome position (GRCh38, 1-based): chrX:49,212,296, C>G on the plus strand (G>C on the coding strand, the complement: CACNA1F is on the minus strand). VCF-style: chrX-49212296-C-G. GRCh37 (hg19) VCF-style: chrX-49068756-C-G.
Other names: c.3793G>C, p.Val1265Leu (NM_001256790.3); c.3988G>C, p.Val1330Leu (NM_005183.4); short protein forms V1265L, V1319L, V1330L.
Identifiers: ClinVar variation 1467187 (VCV001467187.6), dbSNP rs2147898237, ClinGen allele CA412962166.